The following is an entry in ClinVar:

ClinVar aggregate classification (germline): Uncertain significance (1 of 4 stars; one submission).

Submission:

Dasa
Classification: Uncertain significance. Last evaluated: 2025-09-02. Review status: criteria provided, single submitter. Criteria: DASA Assertion Criteria. Collection method: clinical testing. Allele origin: germline.
Comment: NM_005035.4(POLRMT):c.2977A>G (p.Thr993Ala) is a missense variant that results in the substitution of threonine with alanine. This variant is rare in population databases. The currently available literature and clinical evidence are not sufficient to establish a definitive association between this variant and the reported condition. Therefore, this variant is classified as a variant of uncertain significance.

NM_005035.4(POLRMT):c.2977A>G (p.Thr993Ala)

Gene: POLRMT (RNA polymerase mitochondrial; minus strand). Cytogenetic location: 19p13.3.
Variant type: single nucleotide variant.
Coding change: c.2977A>G on transcript NM_005035.4 (MANE Select); coding-DNA position 2977, A replaced by G.
Protein change: p.Thr993Ala; replaces threonine 993 with alanine.
Molecular consequence: missense variant. On other transcripts: non-coding transcript variant (1).
Genome position (GRCh38, 1-based): chr19:619,675, T>C on the plus strand (A>G on the coding strand, the complement: POLRMT is on the minus strand). VCF-style: chr19-619675-T-C. GRCh37 (hg19) VCF-style: chr19-619675-T-C.
Other names: c.2977A>G, p.Thr993Ala (NM_001407812.1, NM_001407816.1, NM_001407805.1 and 1 more transcripts); c.2935A>G, p.Thr979Ala (NM_001407813.1, NM_001407811.1); c.2899A>G, p.Thr967Ala (NM_001407814.1, NM_001407815.1); c.2854A>G, p.Thr952Ala (NM_001407829.1); c.2752A>G, p.Thr918Ala (NM_001407830.1, NM_001407832.1); c.2653A>G, p.Thr885Ala (NM_001407831.1, NM_001407833.1, NM_001407835.1); c.2644A>G, p.Thr882Ala (NM_001407834.1); c.2575A>G, p.Thr859Ala (NM_001407836.1); and 2 more; short protein forms T859A, T882A, T885A, T918A, T952A, T967A, T979A, T989A.
Identifiers: ClinVar variation 4886640 (VCV004886640.2).